The following is an entry in ClinVar:

ClinVar aggregate classification (germline): Uncertain significance (1 of 4 stars; one submission).

Conditions:
Developmental and epileptic encephalopathy, 53. Also called: Epileptic encephalopathy, early infantile, 53. Identifiers: MedGen C4479313, MONDO:0033362, OMIM 617389.
Early-onset Parkinson disease 20. Also called: PARKINSON DISEASE 20, AUTOSOMAL RECESSIVE EARLY-ONSET. Identifiers: Orphanet 391411, MedGen C3809824, MONDO:0014233, OMIM 615530.

Allele frequency attached by ClinVar (database versions not stated): gnomAD exomes below 0.00001 and 0.00001; ExAC 0.00002.
gnomAD v4.1: 6 of 1,614,120 alleles (0.00037%); highest among the groups gnomAD compares: South Asian, 0.0055%; no homozygotes.

Submission:

Labcorp Genetics (formerly Invitae), Labcorp
Classification: Uncertain significance for Developmental and epileptic encephalopathy, 53; Early-onset Parkinson disease 20. Last evaluated: 2020-09-15. Review status: criteria provided, single submitter. Criteria: Invitae Variant Classification Sherloc (09022015). Collection method: clinical testing. Allele origin: germline.
Comment: This sequence change replaces leucine with phenylalanine at codon 80 of the SYNJ1 protein (p.Leu80Phe). The leucine residue is highly conserved and there is a small physicochemical difference between leucine and phenylalanine. In summary, the available evidence is currently insufficient to determine the role of this variant in disease. Therefore, it has been classified as a Variant of Uncertain Significance. Algorithms developed to predict the effect of missense changes on protein structure and function are either unavailable or do not agree on the potential impact of this missense change (SIFT: "Tolerated"; PolyPhen-2: "Possibly Damaging"; Align-GVGD: "Class C0"). This variant has not been reported in the literature in individuals with SYNJ1-related conditions. This variant is present in population databases (rs745374780, ExAC 0.02%).

NM_203446.3(SYNJ1):c.121C>T (p.Leu41Phe)

Gene: SYNJ1 (synaptojanin 1; minus strand). Cytogenetic location: 21q22.11.
Variant type: single nucleotide variant.
Coding change: c.121C>T on transcript NM_203446.3 (MANE Select); coding-DNA position 121, C replaced by T.
Protein change: p.Leu41Phe; replaces leucine 41 with phenylalanine.
Molecular consequence: missense variant.
Genome position (GRCh38, 1-based): chr21:32,726,775, G>A on the plus strand (C>T on the coding strand, the complement: SYNJ1 is on the minus strand). VCF-style: chr21-32726775-G-A. GRCh37 (hg19) VCF-style: chr21-34099086-G-A.
Other names: c.121C>T, p.Leu41Phe (NM_001160302.2, NM_001160306.2); c.238C>T, p.Leu80Phe (NM_003895.4); short protein forms L41F, L80F.
Identifiers: ClinVar variation 1062858 (VCV001062858.9), dbSNP rs745374780, ClinGen allele CA10004211.